The following is an entry in ClinVar:

ClinVar aggregate classification (germline): Pathogenic (1 of 4 stars; one submission).

Conditions:
X-linked immunodeficiency with magnesium defect, Epstein-Barr virus infection and neoplasia. Identifiers: Orphanet 317476, MedGen C3275445, MONDO:0010455, OMIM 300853.

Submission:

Labcorp Genetics (formerly Invitae), Labcorp
Classification: Pathogenic for X-linked immunodeficiency with magnesium defect, Epstein-Barr virus infection and neoplasia. Last evaluated: 2024-12-02. Review status: criteria provided, single submitter. Criteria: Invitae Variant Classification Sherloc (09022015). Collection method: clinical testing. Allele origin: germline.
Comment: This sequence change creates a premature translational stop signal (p.Cys335*) in the MAGT1 gene. It is expected to result in an absent or disrupted protein product. Loss-of-function variants in MAGT1 are known to be pathogenic (PMID: 24550228). This variant is not present in population databases (gnomAD no frequency). This variant has not been reported in the literature in individuals affected with MAGT1-related conditions. ClinVar contains an entry for this variant (Variation ID: 1458559). For these reasons, this variant has been classified as Pathogenic.

Literature cited by the submitters: PubMed 24550228.

NM_001367916.1(MAGT1):c.909T>A (p.Cys303Ter)

Gene: MAGT1 (magnesium transporter 1; minus strand). Cytogenetic location: Xq21.1.
Variant type: single nucleotide variant.
Coding change: c.909T>A on transcript NM_001367916.1 (MANE Select); coding-DNA position 909, T replaced by A.
Protein change: p.Cys303Ter; replaces cysteine 303 with a stop codon.
Molecular consequence: nonsense.
Genome position (GRCh38, 1-based): chrX:77,830,888, A>T on the plus strand (T>A on the coding strand, the complement: MAGT1 is on the minus strand). VCF-style: chrX-77830888-A-T. GRCh37 (hg19) VCF-style: chrX-77086385-A-T.
Other names: c.1005T>A, p.Cys335Ter (NM_032121.5); short protein forms C303*, C335*.
Identifiers: ClinVar variation 1458559 (VCV001458559.6), dbSNP rs2149008270, ClinGen allele CA413710179.
Genomic context (GRCh38, chrX:77,830,888, plus strand): 5'-AGATCTAAAAATAGAGAGCATCCAACTGAAGAATAATACAACAAGTCCAATACCAGCCAC[A>T]CACATTACTGCAGAAAAATAAAAGGAGAGTAAAATGAGCAGGTTGAGTATAATAAATAAC-3'